The following is an entry in ClinVar:

NM_000070.3(CAPN3):c.956C>G (p.Pro319Arg)

Gene: CAPN3 (calpain 3; plus strand). Cytogenetic location: 15q15.1.
Variant type: single nucleotide variant.
Coding change: c.956C>G on transcript NM_000070.3 (MANE Select); coding-DNA position 956, C replaced by G.
Protein change: p.Pro319Arg; replaces proline 319 with arginine.
Molecular consequence: missense variant.
Genome position (GRCh38, 1-based): chr15:42,392,649, C>G. VCF-style: chr15-42392649-C-G. GRCh37 (hg19) VCF-style: chr15-42684847-C-G.
Other names: c.956C>G, p.Pro319Arg (NM_024344.2); c.812C>G, p.Pro271Arg (NM_173087.2); c.695C>G, p.Pro232Arg (NM_212464.2); c.*649C>G (NM_212467.2); short protein forms P271R, P232R, P319R.
Identifiers: ClinVar variation 2913353 (VCV002913353.3), dbSNP rs121434547, ClinGen allele CA391998759.
Genomic context (GRCh38, chr15:42,392,649, plus strand): 5'-GAACTTCTGTTCCCCCGCCCCTAATGGGTTCTCTGGTTACTGCTCTACAGACAATCATTC[C>G]GGTTCAGTATGAGACAAGAATGGCCTGCGGGCTGGTCAGAGGTCACGCCTACTCTGTCAC-3'
Protein context (NP_000061.1, residues 309-329): SDERPTRTII[Pro319Arg]VQYETRMACG

ClinVar aggregate classification (germline): Likely pathogenic (1 of 4 stars; one submission).

Conditions:
Autosomal recessive limb-girdle muscular dystrophy type 2A (LGMDR1). Also called: LEYDEN-MOEBIUS MUSCULAR DYSTROPHY; MUSCULAR DYSTROPHY, PELVOFEMORAL; Muscular dystrophy, limb-girdle, type 2A, Amish; Limb-girdle muscular dystrophy, type 2A; Calpainopathy. Identifiers: Orphanet 267, MedGen C1869123, MONDO:0009675, OMIM 253600. Disease mechanism: loss of function.

gnomAD v4.1: 2 of 1,613,316 alleles (0.00012%); highest among the groups gnomAD compares: Middle Eastern, 0.017%; no homozygotes.

Submission:

Labcorp Genetics (formerly Invitae), Labcorp
Classification: Likely pathogenic for Autosomal recessive limb-girdle muscular dystrophy type 2A. Last evaluated: 2023-10-16. Review status: criteria provided, single submitter. Criteria: Invitae Variant Classification Sherloc (09022015). Collection method: clinical testing. Allele origin: germline.
Comment: This sequence change replaces proline, which is neutral and non-polar, with arginine, which is basic and polar, at codon 319 of the CAPN3 protein (p.Pro319Arg). This variant is not present in population databases (gnomAD no frequency). This variant has not been reported in the literature in individuals affected with CAPN3-related conditions. Advanced modeling of protein sequence and biophysical properties (such as structural, functional, and spatial information, amino acid conservation, physicochemical variation, residue mobility, and thermodynamic stability) performed at Invitae indicates that this missense variant is expected to disrupt CAPN3 protein function. This variant disrupts the p.Pro319 amino acid residue in CAPN3. Other variant(s) that disrupt this residue have been determined to be pathogenic (PMID: 9150160, 30056071, 30919934). This suggests that this residue is clinically significant, and that variants that disrupt this residue are likely to be disease-causing. In summary, the currently available evidence indicates that the variant is pathogenic, but additional data are needed to prove that conclusively. Therefore, this variant has been classified as Likely Pathogenic.

Literature cited by the submitters: PubMed 9150160; PubMed 30056071; PubMed 30919934.